The following is an entry in ClinVar:

NM_033380.3(COL4A5):c.983G>A (p.Gly328Asp)

Gene: COL4A5 (collagen type IV alpha 5 chain; plus strand). Cytogenetic location: Xq22.3.
Variant type: single nucleotide variant.
Coding change: c.983G>A on transcript NM_033380.3 (MANE Select); coding-DNA position 983, G replaced by A.
Protein change: p.Gly328Asp; replaces glycine 328 with aspartic acid.
Molecular consequence: missense variant.
Genome position (GRCh38, 1-based): chrX:108,582,930, G>A. VCF-style: chrX-108582930-G-A. GRCh37 (hg19) VCF-style: chrX-107826160-G-A.
Other names: c.983G>A, p.Gly328Asp (NM_000495.5); c.983G>A (NM_000495.4); short protein forms G328D.
Identifiers: ClinVar variation 974474 (VCV000974474.3), dbSNP rs2066274585, ClinGen allele CA413927758.

ClinVar aggregate classification (germline): Pathogenic/Likely pathogenic. Review status: criteria provided, multiple submitters, no conflicts (2 of 4 stars). 3 submissions from 3 submitters: Pathogenic (1); Likely pathogenic (2). Last evaluated 2025-10-03.

Conditions:
X-linked Alport syndrome (ATS1). Also called: COL4A5-Related Nephropathy; NEPHROPATHY AND DEAFNESS, X-LINKED. Identifiers: Orphanet 63, Orphanet 88917, MedGen C4746986, MONDO:0010520, OMIM 301050.
COL4A5-related disorders.

Submissions (3):

Natera, Inc.
Classification: Pathogenic for X-linked Alport syndrome. Last evaluated: 2025-10-03. Review status: criteria provided, single submitter. Criteria: Natera Variant Classification Schema (03/2026). Collection method: clinical testing. Allele origin: germline.
Comment: The c.983G>A variant in COL4A5 is a missense variant predicted to cause substitution of glycine to aspartic acid at amino acid 328. This variant is rare in the general population with a frequency below the threshold expected for the associated phenotype(s). This variant has been observed in affected individual(s) with monoallelic occurrence (heterozygous/hemizygous) (PMID: 35020912, 33532864, 35064937). This variant is located in a functionally critical region of the protein. Computational prediction algorithms indicate this variant is likely to affect gene or protein function. Given the available evidence, this variant is classified as Pathogenic.

Blueprint Genetics
Classification: Likely pathogenic for COL4A5-related disorders. Last evaluated: 2020-10-15. Review status: criteria provided, single submitter. Criteria: ACMG Guidelines, 2015. Collection method: clinical testing. Allele origin: germline. Affected: yes. Observed: 2 variant alleles.

Molecular Biology Laboratory, Fundació Puigvert
Classification: Likely pathogenic for X-linked Alport syndrome. Last evaluated: 2020-02-01. Review status: criteria provided, single submitter. Criteria: ACMG Guidelines, 2015. Collection method: research. Allele origin: germline. Affected: yes. Study: KidneyPanel_2020.

Literature cited by the submitters: PubMed 35020912 (cited by Natera, Inc.); PubMed 33532864 (cited by Natera, Inc. and Molecular Biology Laboratory, Fundació Puigvert); PubMed 35064937 (cited by Natera, Inc.).